The following is an entry in ClinVar:

ClinVar aggregate classification (germline): Uncertain significance (1 of 4 stars; one submission).

gnomAD v4.1: 4 of 1,599,522 alleles (0.00025%); highest among the groups gnomAD compares: African/African-American, 0.0013%; no homozygotes.

Submission:

GeneDx
Classification: Uncertain significance. Last evaluated: 2022-07-28. Review status: criteria provided, single submitter. Criteria: GeneDx Variant Classification Process June 2021. Collection method: clinical testing. Allele origin: germline. Affected: yes.
Comment: Not observed at significant frequency in large population cohorts (gnomAD); In silico analysis supports that this missense variant does not alter protein structure/function; Has not been previously published as pathogenic or benign to our knowledge

NM_001001563.5(TIMM50):c.26C>T (p.Ser9Leu)

Gene: TIMM50 (translocase of inner mitochondrial membrane 50; plus strand). Cytogenetic location: 19q13.2.
Variant type: single nucleotide variant.
Coding change: c.26C>T on transcript NM_001001563.5 (MANE Select); coding-DNA position 26, C replaced by T.
Protein change: p.Ser9Leu; replaces serine 9 with leucine.
Molecular consequence: missense variant. On other transcripts: 5 prime UTR variant (1).
Genome position (GRCh38, 1-based): chr19:39,480,879, C>T. VCF-style: chr19-39480879-C-T. GRCh37 (hg19) VCF-style: chr19-39971519-C-T.
Other names: c.-255C>T (NM_001329559.2); short protein forms S9L.
Identifiers: ClinVar variation 2412869 (VCV002412869.2), dbSNP rs35135520, ClinGen allele CA9431633.